The following is an entry in ClinVar:

ClinVar aggregate classification (germline): Conflicting classifications of pathogenicity. Review status: criteria provided, conflicting classifications (1 of 4 stars). 2 submissions from 2 submitters: Likely pathogenic (1); Uncertain significance (1). Last evaluated 2024-03-06.

Conditions:
Pyruvate dehydrogenase E3 deficiency (DLDD). Also called: Dihydrolipoamide Dehydrogenase (E3) Deficiency; MAPLE SYRUP URINE DISEASE, TYPE III; DLD DEFICIENCY; E3 DEFICIENCY; Lipoamide dehydrogenase deficiency, lactic acidosis due to; Dihydrolipoamide Dehydrogenase Deficiency. Identifiers: Orphanet 2394, Orphanet 765, MedGen C5574660, MONDO:0009529, OMIM 246900.

Allele frequency attached by ClinVar (database versions not stated): gnomAD 0.00001; gnomAD exomes 0.00001; TOPMed 0.00001.
gnomAD v4.1: 5 of 1,613,736 alleles (0.00031%); highest among the groups gnomAD compares: Non-Finnish European, 0.00042%; no homozygotes.

Submissions (2):

GeneDx
Classification: Likely pathogenic. Last evaluated: 2024-03-06. Review status: criteria provided, single submitter. Criteria: GeneDx Variant Classification Process June 2021. Collection method: clinical testing. Allele origin: germline. Affected: yes.
Comment: Not observed at significant frequency in large population cohorts (gnomAD); In silico analysis supports that this missense variant has a deleterious effect on protein structure/function; Has not been previously published as pathogenic or benign to our knowledge

Labcorp Genetics (formerly Invitae), Labcorp
Classification: Uncertain significance for Pyruvate dehydrogenase E3 deficiency. Last evaluated: 2021-09-24. Review status: criteria provided, single submitter. Criteria: Invitae Variant Classification Sherloc (09022015). Collection method: clinical testing. Allele origin: germline.
Comment: This sequence change replaces threonine with isoleucine at codon 79 of the DLD protein (p.Thr79Ile). The threonine residue is highly conserved and there is a moderate physicochemical difference between threonine and isoleucine. This variant is not present in population databases (ExAC no frequency). This variant has not been reported in the literature in individuals with DLD-related conditions. ClinVar contains an entry for this variant (Variation ID: 422089). Algorithms developed to predict the effect of missense changes on protein structure and function (SIFT, PolyPhen-2, Align-GVGD) all suggest that this variant is likely to be disruptive, but these predictions have not been confirmed by published functional studies and their clinical significance is uncertain. In summary, the available evidence is currently insufficient to determine the role of this variant in disease. Therefore, it has been classified as a Variant of Uncertain Significance.

NM_000108.5(DLD):c.236C>T (p.Thr79Ile)

Gene: DLD (dihydrolipoamide dehydrogenase; plus strand). Cytogenetic location: 7q31.1.
Variant type: single nucleotide variant.
Coding change: c.236C>T on transcript NM_000108.5 (MANE Select); coding-DNA position 236, C replaced by T.
Protein change: p.Thr79Ile; replaces threonine 79 with isoleucine.
Molecular consequence: missense variant. On other transcripts: intron variant (2).
Genome position (GRCh38, 1-based): chr7:107,902,362, C>T. VCF-style: chr7-107902362-C-T. GRCh37 (hg19) VCF-style: chr7-107542807-C-T.
Other names: c.236C>T, p.Thr79Ile (NM_001289752.1); c.198+545C>T (NM_001289751.1); c.-30-1116C>T (NM_001289750.1); short protein forms T79I.
Identifiers: ClinVar variation 422089 (VCV000422089.8), dbSNP rs1064795549, ClinGen allele CA16618345.